The following is an entry in ClinVar:

ClinVar aggregate classification (germline): Uncertain significance (1 of 4 stars; one submission).

Submission:

Labcorp Genetics (formerly Invitae), Labcorp
Classification: Uncertain significance. Last evaluated: 2022-08-16. Review status: criteria provided, single submitter. Criteria: Invitae Variant Classification Sherloc (09022015). Collection method: clinical testing. Allele origin: germline.
Comment: Advanced modeling of protein sequence and biophysical properties (such as structural, functional, and spatial information, amino acid conservation, physicochemical variation, residue mobility, and thermodynamic stability) performed at Invitae indicates that this missense variant is expected to disrupt ASNS protein function. In summary, the available evidence is currently insufficient to determine the role of this variant in disease. Therefore, it has been classified as a Variant of Uncertain Significance. This variant has not been reported in the literature in individuals affected with ASNS-related conditions. This variant is not present in population databases (gnomAD no frequency). This sequence change replaces isoleucine, which is neutral and non-polar, with leucine, which is neutral and non-polar, at codon 4 of the ASNS protein (p.Ile4Leu).

NM_001673.5(ASNS):c.10A>C (p.Ile4Leu)

Genes: ASNS (asparagine synthetase (glutamine-hydrolyzing); minus strand), CZ1P-ASNS (CZ1P-ASNS readthrough; minus strand). Cytogenetic location: 7q21.3.
Variant type: single nucleotide variant.
Coding change: c.10A>C on transcript NM_001673.5 (MANE Select); coding-DNA position 10, A replaced by C.
Protein change: p.Ile4Leu; replaces isoleucine 4 with leucine.
Molecular consequence: missense variant. On other transcripts: non-coding transcript variant (1), intron variant (3).
Genome position (GRCh38, 1-based): chr7:97,869,147, T>G on the plus strand (A>C on the coding strand, the complement: ASNS is on the minus strand). VCF-style: chr7-97869147-T-G. GRCh37 (hg19) VCF-style: chr7-97498459-T-G.
Other names: c.10A>C, p.Ile4Leu (NM_001352496.2, NM_133436.3, NM_183356.4); c.-1+3204A>C (NM_001178076.2); c.-12-42A>C (NM_001178075.2); c.-1+2894A>C (NM_001178077.1); short protein forms I4L.
Identifiers: ClinVar variation 2112838 (VCV002112838.4), dbSNP rs2484698716, ClinGen allele CA368274575.